The following is an entry in ClinVar:

ClinVar aggregate classification (germline): Benign (0 of 4 stars; one submission).

Conditions:
EPPK1-related disorder. Also called: EPPK1-related condition.

Allele frequency attached by ClinVar (database versions not stated): 1000 Genomes Project 0.00180; 1000 Genomes Project 30x 0.00203; ExAC 0.00671; TOPMed 0.00681; gnomAD 0.00692; ESP Exome Variant Server 0.00921; gnomAD exomes 0.01107.
gnomAD v4.1: 17,155 of 1,613,178 alleles (1.1%); highest among the groups gnomAD compares: Non-Finnish European, 1.3%; 111 homozygotes.

Submission:

PreventionGenetics, part of Exact Sciences
Classification: Benign for EPPK1-related condition. Last evaluated: 2021-04-21. Review status: no assertion criteria provided. Collection method: clinical testing. Allele origin: germline.
Comment: This variant is classified as benign based on ACMG/AMP sequence variant interpretation guidelines (Richards et al. 2015 PMID: 25741868, with internal and published modifications).

NM_031308.4(EPPK1):c.5101G>A (p.Val1701Met)

Gene: EPPK1 (epiplakin 1; minus strand). Cytogenetic location: 8q24.3.
Variant type: single nucleotide variant.
Coding change: c.5101G>A on transcript NM_031308.4 (MANE Select); coding-DNA position 5101, G replaced by A.
Protein change: p.Val1701Met; replaces valine 1701 with methionine.
Molecular consequence: missense variant.
Genome position (GRCh38, 1-based): chr8:143,868,153, C>T on the plus strand (G>A on the coding strand, the complement: EPPK1 is on the minus strand). VCF-style: chr8-143868153-C-T. GRCh37 (hg19) VCF-style: chr8-144942321-C-T.
Other names: short protein forms V1701M.
Identifiers: ClinVar variation 3035430 (VCV003035430.2), dbSNP rs199604236, ClinGen allele CA4922264.
Genomic context (GRCh38, chr8:143,868,153, plus strand): 5'-GGTCCGCCAGGATGCGGTTCATCTCCTCGTCGAAGTAGCCGCAGCGGTAGGCCACGTCCA[C>T]GGGCACGCGGTGGCTGTGCACGGGGTCGATGATGCCGCCCGTGGCGATCTGGGCCTCCAG-3'
Protein context (NP_112598.3, residues 1691-1711): IDPVHSHRVP[Val1701Met]DVAYRCGYFD